The following is an entry in ClinVar:

ClinVar aggregate classification (germline): Uncertain significance (1 of 4 stars; one submission).

Allele frequency attached by ClinVar (database versions not stated): gnomAD exomes below 0.00001; ExAC 0.00001.
gnomAD v4.1: 5 of 1,611,454 alleles (0.00031%); highest among the groups gnomAD compares: East Asian, 0.0022%; no homozygotes.

Submission:

Ambry Genetics
Classification: Uncertain significance. Last evaluated: 2024-12-20. Review status: criteria provided, single submitter. Criteria: Ambry Variant Classification Scheme 2023. Collection method: clinical testing. Allele origin: germline.
Comment: The p.R121C variant (also known as c.361C>T), located in coding exon 4 of the SRP72 gene, results from a C to T substitution at nucleotide position 361. The arginine at codon 121 is replaced by cysteine, an amino acid with highly dissimilar properties. This amino acid position is conserved. In addition, this alteration is predicted to be deleterious by in silico analysis. Based on the available evidence, the clinical significance of this variant remains unclear.

NM_006947.4(SRP72):c.361C>T (p.Arg121Cys)

Gene: SRP72 (signal recognition particle 72; plus strand). Cytogenetic location: 4q12.
Variant type: single nucleotide variant.
Coding change: c.361C>T on transcript NM_006947.4 (MANE Select); coding-DNA position 361, C replaced by T.
Protein change: p.Arg121Cys; replaces arginine 121 with cysteine.
Molecular consequence: missense variant. On other transcripts: non-coding transcript variant (1).
Genome position (GRCh38, 1-based): chr4:56,474,060, C>T. VCF-style: chr4-56474060-C-T. GRCh37 (hg19) VCF-style: chr4-57340226-C-T.
Other names: c.361C>T, p.Arg121Cys (NM_001267722.2); short protein forms R121C.
Identifiers: ClinVar variation 2318028 (VCV002318028.3), dbSNP rs750965565, ClinGen allele CA2931051.